The following is an entry in ClinVar:

NM_019023.5(PRMT7):c.1951TTC[1] (p.Phe652del)

Gene: PRMT7 (protein arginine methyltransferase 7; plus strand). Cytogenetic location: 16q22.1.
Variant type: Microsatellite.
Coding change: c.1951TTC[1] on transcript NM_019023.5 (MANE Select); one copy of the 3-base unit TTC starting at c.1951; the reference has two copies in a row; one copy, 3 bases deleted; also written c.1954_1956del.
Protein change: p.Phe652del; deletes phenylalanine 652.
Molecular consequence: inframe deletion. On other transcripts: non-coding transcript variant (12).
Genome position (GRCh38, 1-based): chr16:68,357,099-68,357,101, TTC deleted; deleting any 3 consecutive bases within chr16:68,357,095-68,357,101 gives the same sequence; the position shown is the placement nearest the transcript's 3' end. VCF-style (leftmost placement, unchanged base first): chr16-68357094-ACTT-A. GRCh37 (hg19) VCF-style: chr16-68390997-ACTT-A.
Other names: c.1954_1956del (NM_019023.3); c.1954_1956delTTC (NM_019023.2); c.1801TTC[1], p.Phe602del (NM_001184824.4); c.1951TTC[1], p.Phe652del (NM_001290018.2, NM_001351143.3, NM_001378018.1); c.1954TTC[1], p.Phe653del (NM_001351144.3); c.1744TTC[1], p.Phe583del (NM_001378020.1); c.1714TTC[1], p.Phe573del (NM_001378021.1, NM_001378022.1, NM_001378023.1); short protein forms F653del, F602del, F652del, F573del, F583del.
Identifiers: ClinVar variation 712115 (VCV000712115.13), dbSNP rs562766169, ClinGen allele CA8127718.
Genomic context (GRCh38, chr16:68,357,094, plus strand): 5'-TCCTGCTCTTCTTCCTACAGGGGGGCTGCTGCTGGAACCCCCACTGCAAGCAGGCCGTCT[ACTT>A]CTTCAGCCCTGCCCCAGATCCCAGAGCACTGCTGGGTGGCCCACGGACTGTCAGCTATGC-3'

ClinVar aggregate classification (germline): Conflicting classifications of pathogenicity. Review status: criteria provided, conflicting classifications (1 of 4 stars). 4 submissions from 4 submitters: Uncertain significance (1); Likely benign (1). 2 of the submissions do not count toward it. Last evaluated 2025-11-23.

Conditions:
PRMT7-related disorder. Also called: PRMT7-related condition.

Submissions (4):

Labcorp Genetics (formerly Invitae), Labcorp
Classification: Likely benign. Last evaluated: 2025-11-23. Review status: criteria provided, single submitter. Criteria: Invitae Variant Classification Sherloc (09022015). Collection method: clinical testing. Allele origin: germline.

GeneDx
Classification: Uncertain significance. Last evaluated: 2023-10-14. Review status: criteria provided, single submitter. Criteria: GeneDx Variant Classification Process June 2021. Collection method: clinical testing. Allele origin: germline. Affected: yes.
Comment: In-frame deletion of 1 amino acid in a non-repeat region; In silico analysis supports that this missense variant has a deleterious effect on protein structure/function; Has not been previously published as pathogenic or benign to our knowledge; This variant is associated with the following publications: (PMID: 27535533)

Genetic Services Laboratory, University of Chicago
Classification: Uncertain significance. Last evaluated: 2022-09-03. Review status: no assertion criteria provided. Collection method: clinical testing. Allele origin: germline. Affected: no. Not counted in ClinVar's aggregate classification.
Comment: DNA sequence analysis of the PRMT7 demonstrated a 3 base pair deletion in exon 19, c.1954_1956del. This in-frame deletion is predicted to result in the deletion of one amino acid residue, p.Phe652del. This deletion does not appear to have been previously described in individuals with PRMT7 -related disorders. This sequence change has been described in the gnomAD database with a frequency of 0.28% in the Latino subpopulation (dbSNP rs562766169). The functional significance of this sequence change is not known at present and its contribution to this individual's disease phenotype cannot definitively be determined.

PreventionGenetics, part of Exact Sciences
Classification: Likely benign for PRMT7-related condition. Last evaluated: 2022-04-28. Review status: no assertion criteria provided. Collection method: clinical testing. Allele origin: germline. Not counted in ClinVar's aggregate classification.
Comment: This variant is classified as likely benign based on ACMG/AMP sequence variant interpretation guidelines (Richards et al. 2015 PMID: 25741868, with internal and published modifications).